The following is an entry in ClinVar:

NM_017534.6(MYH2):c.4795A>G (p.Ile1599Val)

Genes: MYHAS (myosin heavy chain gene cluster antisense RNA; plus strand), MYH2 (myosin heavy chain 2; minus strand), LOC126862500 (BRD4-independent group 4 enhancer GRCh37_chr17:10427829-10429028; plus strand). Cytogenetic location: 17p13.1.
Variant type: single nucleotide variant.
Coding change: c.4795A>G on transcript NM_017534.6 (MANE Select); coding-DNA position 4795, A replaced by G.
Protein change: p.Ile1599Val; replaces isoleucine 1599 with valine.
Molecular consequence: missense variant.
Genome position (GRCh38, 1-based): chr17:10,524,933, T>C on the plus strand (A>G on the coding strand, the complement: MYH2 is on the minus strand). VCF-style: chr17-10524933-T-C. GRCh37 (hg19) VCF-style: chr17-10428250-T-C.
Other names: c.4795A>G, p.Ile1599Val (NM_001100112.2); short protein forms I1599V.
Identifiers: ClinVar variation 3714722 (VCV003714722.2).

ClinVar aggregate classification (germline): Uncertain significance (1 of 4 stars; one submission).

Conditions:
Myopathy, proximal, and ophthalmoplegia (CMYO6). Also called: INCLUSION BODY MYOPATHY 3, AUTOSOMAL DOMINANT; MYOPATHY WITH CONGENITAL JOINT CONTRACTURES, OPHTHALMOPLEGIA, AND RIMMED VACUOLES; CONGENITAL MYOPATHY 6 WITH OPHTHALMOPLEGIA. Identifiers: Orphanet 363677, Orphanet 79091, MedGen C1854106, MONDO:0011577, OMIM 605637.

Submission:

Labcorp Genetics (formerly Invitae), Labcorp
Classification: Uncertain significance for Myopathy, proximal, and ophthalmoplegia. Last evaluated: 2024-09-28. Review status: criteria provided, single submitter. Criteria: Invitae Variant Classification Sherloc (09022015). Collection method: clinical testing. Allele origin: germline.
Comment: This sequence change replaces isoleucine, which is neutral and non-polar, with valine, which is neutral and non-polar, at codon 1599 of the MYH2 protein (p.Ile1599Val). This variant is not present in population databases (gnomAD no frequency). This variant has not been reported in the literature in individuals affected with MYH2-related conditions. Invitae Evidence Modeling of protein sequence and biophysical properties (such as structural, functional, and spatial information, amino acid conservation, physicochemical variation, residue mobility, and thermodynamic stability) indicates that this missense variant is not expected to disrupt MYH2 protein function with a negative predictive value of 80%. In summary, the available evidence is currently insufficient to determine the role of this variant in disease. Therefore, it has been classified as a Variant of Uncertain Significance.